The following is an entry in ClinVar:

NM_015599.3(PGM3):c.215G>A (p.Gly72Asp)

Gene: PGM3 (phosphoglucomutase 3; minus strand). Cytogenetic location: 6q14.1.
Variant type: single nucleotide variant.
Coding change: c.215G>A on transcript NM_015599.3 (MANE Select); coding-DNA position 215, G replaced by A.
Protein change: p.Gly72Asp; replaces glycine 72 with aspartic acid.
Molecular consequence: missense variant. On other transcripts: 5 prime UTR variant (1), non-coding transcript variant (1).
Genome position (GRCh38, 1-based): chr6:83,188,788, C>T on the plus strand (G>A on the coding strand, the complement: PGM3 is on the minus strand). VCF-style: chr6-83188788-C-T. GRCh37 (hg19) VCF-style: chr6-83898507-C-T.
Other names: c.299G>A, p.Gly100Asp (NM_001199917.2, NM_001367287.1); c.-29G>A (NM_001199918.2); c.215G>A, p.Gly72Asp (NM_001199919.2, NM_001367286.1); short protein forms G100D, G72D.
Identifiers: ClinVar variation 1465217 (VCV001465217.5), dbSNP rs1788807472, ClinGen allele CA364852469.

ClinVar aggregate classification (germline): Uncertain significance (1 of 4 stars; one submission).

Conditions:
Immunodeficiency 23 (IMD23). Also called: IMMUNODEFICIENCY WITH HYPER IgE AND COGNITIVE IMPAIRMENT; IMMUNODEFICIENCY-VASCULITIS-MYOCLONUS SYNDROME. Identifiers: Orphanet 443811, MedGen C4014371, MONDO:0014353, OMIM 615816.

Allele frequency attached by ClinVar (database versions not stated): TOPMed below 0.00001.

Submission:

Labcorp Genetics (formerly Invitae), Labcorp
Classification: Uncertain significance for Immunodeficiency 23. Last evaluated: 2021-08-28. Review status: criteria provided, single submitter. Criteria: Invitae Variant Classification Sherloc (09022015). Collection method: clinical testing. Allele origin: germline.
Comment: This sequence change replaces glycine with aspartic acid at codon 100 of the PGM3 protein (p.Gly100Asp). The glycine residue is highly conserved and there is a moderate physicochemical difference between glycine and aspartic acid. This variant is not present in population databases (ExAC no frequency). This variant has not been reported in the literature in individuals affected with PGM3-related conditions. Algorithms developed to predict the effect of missense changes on protein structure and function (SIFT, PolyPhen-2, Align-GVGD) all suggest that this variant is likely to be disruptive. In summary, the available evidence is currently insufficient to determine the role of this variant in disease. Therefore, it has been classified as a Variant of Uncertain Significance.